The following is an entry in ClinVar:

NM_001267550.2(TTN):c.103408G>T (p.Glu34470Ter)

Genes: TTN-AS1 (TTN antisense RNA 1; plus strand), TTN (titin; minus strand). Cytogenetic location: 2q31.2.
Variant type: single nucleotide variant.
Coding change: c.103408G>T on transcript NM_001267550.2 (MANE Select); coding-DNA position 103408, G replaced by T.
Protein change: p.Glu34470Ter; replaces glutamic acid 34470 with a stop codon.
Molecular consequence: nonsense.
Genome position (GRCh38, 1-based): chr2:178,533,207, C>A on the plus strand (G>T on the coding strand, the complement: TTN is on the minus strand). VCF-style: chr2-178533207-C-A. GRCh37 (hg19) VCF-style: chr2-179397934-C-A.
Other names: c.98485G>T, p.Glu32829Ter (NM_001256850.1); c.76213G>T, p.Glu25405Ter (NM_003319.4); c.95704G>T, p.Glu31902Ter (NM_133378.4); c.76588G>T, p.Glu25530Ter (NM_133432.3); c.76789G>T, p.Glu25597Ter (NM_133437.4); c.103408G>T (LRG_391t1); short protein forms E34470*, E25530*, E25597*, E25405*, E32829*, E31902*.
Identifiers: ClinVar variation 223357 (VCV000223357.4), dbSNP rs769023413, ClinGen allele CA089838.
Genomic context (GRCh38, chr2:178,533,207, plus strand): 5'-TTCCAGAAAGAATTTCAGCCATTCTGAGGGTTTTGTCAATTTGTTTTTGTACGTGTCGCT[C>A]ATGCTCCTCCTTACTCTTGAATTCCTGTTTCTTGTACCTCAGGCGTTCCACTTGTAGGTG-3'

ClinVar aggregate classification (germline): Conflicting classifications of pathogenicity. Review status: criteria provided, conflicting classifications (1 of 4 stars). 2 submissions from 2 submitters: Likely pathogenic (1); Uncertain significance (1). Last evaluated 2023-12-06.

Conditions:
Dilated cardiomyopathy 1G (CMD1G). Identifiers: Orphanet 154, MedGen C1858763, MONDO:0011400, OMIM 604145.
Autosomal recessive limb-girdle muscular dystrophy type 2J (LGMDR10). Also called: Limb-girdle muscular dystrophy, type 2J; MUSCULAR DYSTROPHY, LIMB-GIRDLE, AUTOSOMAL RECESSIVE 10. Identifiers: Orphanet 140922, MedGen C1837342, MONDO:0012127, OMIM 608807.
Primary dilated cardiomyopathy (DCM). Also called: Dilated Cardiomyopathy. Identifiers: Orphanet 217604, MedGen C0007193, MeSH D002311, MONDO:0005021, HP:0001644. Inheritance: Various modes of inheritance.

Allele frequency attached by ClinVar (database versions not stated): gnomAD exomes below 0.00001; TOPMed below 0.00001; ExAC 0.00001; gnomAD 0.00001.
gnomAD v4.1: 1 of 1,613,840 alleles (0.000062%); highest among the groups gnomAD compares: African/African-American, 0.0013%; no homozygotes.

Submissions (2):

Labcorp Genetics (formerly Invitae), Labcorp
Classification: Likely pathogenic for Dilated cardiomyopathy 1G; Autosomal recessive limb-girdle muscular dystrophy type 2J. Last evaluated: 2023-12-06. Review status: criteria provided, single submitter. Criteria: Invitae Variant Classification Sherloc (09022015). Collection method: clinical testing. Allele origin: germline.
Comment: This sequence change creates a premature translational stop signal (p.Glu34470*) in the TTN gene. While this is not anticipated to result in nonsense mediated decay, it is expected to create a truncated TTN protein. This variant is present in population databases (rs769023413, gnomAD 0.007%). This variant has not been reported in the literature in individuals affected with TTN-related conditions. ClinVar contains an entry for this variant (Variation ID: 223357). This variant is located in the M band of TTN (PMID: 25589632). Truncating variants in this region have been previously reported in individuals affected with autosomal recessive myopathy and muscular dystrophy (PMID: 18948003, 23975875, 24395473). Truncating variants in this region have also been identified in individuals affected with autosomal dominant dilated cardiomyopathy and/or cardio-related conditions (PMID: 27869827, 32964742). In summary, the currently available evidence indicates that the variant is pathogenic, but additional data are needed to prove that conclusively. Therefore, this variant has been classified as Likely Pathogenic.

Cardiovascular Biomedical Research Unit, Royal Brompton & Harefield NHS Foundation Trust
Classification: Uncertain significance for Primary dilated cardiomyopathy. Last evaluated: 2014-10-08. Review status: criteria provided, single submitter. Criteria: Roberts et al. 2015. Collection method: research. Allele origin: germline. Inheritance: Autosomal dominant inheritance. Affected: no. Observed: 1 variant allele. Study: JHS cohort.
Comment: In the seven cohorts assessed, TTNtv were found in 14% of ambulant DCM, 22% end-stage or familial DCM, and 2% controls. Heterozygous nonsense, frameshift and canonical splice-disrupting variants found in constitutive and other highly utilised exons are highly likely to be pathogenic when identified in individuals with phenotypically confirmed DCM. TTNtv found incidentally in healthy individuals (excluding familial assessment of DCM relatives) are thought to have low penetrance, particularly when identified in exons that are not constitutively expressed in the heart.

Literature cited by the submitters: PubMed 25589632 (cited by Labcorp Genetics (formerly Invitae), Labcorp); PubMed 18948003 (cited by Labcorp Genetics (formerly Invitae), Labcorp); PubMed 23975875 (cited by Labcorp Genetics (formerly Invitae), Labcorp); PubMed 24395473 (cited by Labcorp Genetics (formerly Invitae), Labcorp); PubMed 27869827 (cited by Labcorp Genetics (formerly Invitae), Labcorp); PubMed 32964742 (cited by Labcorp Genetics (formerly Invitae), Labcorp).